The following is an entry in ClinVar:

ClinVar aggregate classification (germline): Uncertain significance (1 of 4 stars; one submission).

Allele frequency attached by ClinVar (database versions not stated): gnomAD exomes below 0.00001.
gnomAD v4.1: 1 of 1,599,714 alleles (0.000063%); highest among the groups gnomAD compares: East Asian, 0.0022%; no homozygotes.

Submission:

GeneDx
Classification: Uncertain significance. Last evaluated: 2022-11-15. Review status: criteria provided, single submitter. Criteria: GeneDx Variant Classification Process June 2021. Collection method: clinical testing. Allele origin: germline. Affected: yes.
Comment: Not observed at significant frequency in large population cohorts (gnomAD); In silico analysis supports a deleterious effect on splicing; Has not been previously published as pathogenic or benign to our knowledge

NM_004589.4(SCO1):c.364+4A>G

Gene: SCO1 (synthesis of cytochrome C oxidase 1; minus strand). Cytogenetic location: 17p13.1.
Variant type: single nucleotide variant.
Coding change: c.364+4A>G on transcript NM_004589.4 (MANE Select); 4 bases into the intron after coding-DNA position 364, A replaced by G.
Molecular consequence: intron variant.
Genome position (GRCh38, 1-based): chr17:10,695,737, T>C on the plus strand (A>G on the coding strand, the complement: SCO1 is on the minus strand). VCF-style: chr17-10695737-T-C. GRCh37 (hg19) VCF-style: chr17-10599054-T-C.
Identifiers: ClinVar variation 2502657 (VCV002502657.1), dbSNP rs2507859539, ClinGen allele CA2580614010.